The following is an entry in ClinVar:

NM_001368894.2(PAX6):c.114_117dup (p.Cys40fs)

Gene: PAX6 (paired box 6; minus strand). Cytogenetic location: 11p13.
Variant type: Duplication.
Coding change: c.114_117dup on transcript NM_001368894.2 (MANE Select); coding-DNA positions 114 to 117, 4 bases duplicated (GCCG; older notation c.114_117dupGCCG).
Protein change: p.Cys40fs; shifts the reading frame from cysteine 40.
Molecular consequence: frameshift variant. On other transcripts: 5 prime UTR variant (12), non-coding transcript variant (2), intron variant (2).
Genome position (GRCh38, 1-based): chr11:31,802,728-31,802,731, CGGC duplicated on the plus strand (GCCG on the coding strand, the reverse complement: PAX6 is on the minus strand); duplicating any 4 consecutive bases within chr11:31,802,728-31,802,734 gives the same sequence; the c. name uses the placement nearest the transcript's 3' end. VCF-style (leftmost placement, unchanged base first): chr11-31802727-A-ACGGC. GRCh37 (hg19) VCF-style: chr11-31824275-A-ACGGC.
Other names: c.114_117dup, p.Cys40fs (NM_000280.6, NM_001127612.3, NM_001258462.3 and 30 more transcripts); c.-668_-665dup (NM_001310160.2, NM_001368905.2); c.-337_-334dup (NM_001310161.3, NM_001368900.2, NM_001368903.2 and 2 more transcripts); c.-295_-292dup (NM_001368899.2, NM_001368901.2, NM_001368906.2 and 1 more transcripts); c.-626_-623dup (NM_001368902.2); c.357_360dup, p.Cys121fs (NM_001368910.2); c.117_120dup, p.Cys41fs (NM_001368911.2); c.-267-955_-267-952dup (NM_001368909.2, NM_001368904.2); short protein forms C121fs, C40fs, C41fs.
Identifiers: ClinVar variation 2137044 (VCV002137044.5), dbSNP rs2496289556, ClinGen allele CA2580084051.

ClinVar aggregate classification (germline): Pathogenic. Review status: criteria provided, multiple submitters, no conflicts (2 of 4 stars). 2 submissions from 2 submitters: Pathogenic (2). Last evaluated 2022-04-28.

Conditions:
Aniridia 1 (AN1). Identifiers: Orphanet 250923, MedGen C0344542, MONDO:0024507, OMIM 106210.
Irido-corneo-trabecular dysgenesis (ASGD5). Also called: ANTERIOR SEGMENT DYSGENESIS 5. Identifiers: Orphanet 708, MedGen C0344559, MONDO:0011414, OMIM 604229, HP:0000659.

Submissions (2):

Labcorp Genetics (formerly Invitae), Labcorp
Classification: Pathogenic for Aniridia 1; Irido-corneo-trabecular dysgenesis. Last evaluated: 2022-04-28. Review status: criteria provided, single submitter. Criteria: Invitae Variant Classification Sherloc (09022015). Collection method: clinical testing. Allele origin: germline.
Comment: For these reasons, this variant has been classified as Pathogenic. This variant is also known as c.117insGGCC (p.Cys40Glyfs*15). This premature translational stop signal has been observed in individual(s) with aniridia (PMID: 18483559, 32467297). This variant is not present in population databases (gnomAD no frequency). This sequence change creates a premature translational stop signal (p.Cys40Alafs*17) in the PAX6 gene. It is expected to result in an absent or disrupted protein product. Loss-of-function variants in PAX6 are known to be pathogenic (PMID: 12634864).

Juno Genomics, Hangzhou Juno Genomics, Inc
Classification: Pathogenic for Aniridia 1. Review status: criteria provided, single submitter. Criteria: ACMG Guidelines, 2015. Collection method: clinical testing. Allele origin: germline. Affected: yes.
Comment: Absent from controls (or at extremely low frequency if recessive) in Genome Aggregation Database, Exome Sequencing Project, 1000 Genomes Project, or Exome Aggregation Consortium.;Null variant in a gene where loss of function (LOF) is a known mechanism of disease.;The prevalence of the variant in affected individuals is significantly increased compared to the prevalence in controls.;Patient's phenotype or family history is highly specific for a disease with a single genetic etiology.

Literature cited by the submitters: PubMed 18483559 (cited by Labcorp Genetics (formerly Invitae), Labcorp); PubMed 32467297 (cited by Labcorp Genetics (formerly Invitae), Labcorp); PubMed 12634864 (cited by Labcorp Genetics (formerly Invitae), Labcorp).